The following is an entry in ClinVar:

ClinVar aggregate classification (germline): Conflicting classifications of pathogenicity. Review status: criteria provided, conflicting classifications (1 of 4 stars). 2 submissions from 2 submitters: Uncertain significance (1); Benign (1). Last evaluated 2025-09-09.

Conditions:
Hereditary cancer-predisposing syndrome. Also called: Hereditary neoplastic syndrome; Hereditary Cancer Syndrome; Neoplastic Syndromes, Hereditary; Tumor predisposition. Identifiers: Orphanet 140162, MedGen C0027672, MeSH D009386, MONDO:0015356.
Familial adenomatous polyposis 2. Also called: MYH-associated polyposis; COLORECTAL ADENOMATOUS POLYPOSIS, AUTOSOMAL RECESSIVE; ADENOMAS, MULTIPLE COLORECTAL, AUTOSOMAL RECESSIVE; MUTYH-related attenuated familial adenomatous polyposis; Adenomas, multiple colorectal; FAP type 2. Identifiers: Orphanet 220460, Orphanet 247798, MedGen C3272841, MONDO:0012041, OMIM 608456.

Submissions (2):

Ambry Genetics
Classification: Benign for Hereditary cancer-predisposing syndrome. Last evaluated: 2025-09-09. Review status: criteria provided, single submitter. Criteria: Ambry Variant Classification Scheme 2023. Collection method: clinical testing. Allele origin: germline.

Labcorp Genetics (formerly Invitae), Labcorp
Classification: Uncertain significance for Familial adenomatous polyposis 2. Last evaluated: 2023-10-03. Review status: criteria provided, single submitter. Criteria: Invitae Variant Classification Sherloc (09022015). Collection method: clinical testing. Allele origin: germline.
Comment: This sequence change replaces alanine, which is neutral and non-polar, with valine, which is neutral and non-polar, at codon 547 of the MUTYH protein (p.Ala547Val). This variant is not present in population databases (gnomAD no frequency). This variant has not been reported in the literature in individuals affected with MUTYH-related conditions. ClinVar contains an entry for this variant (Variation ID: 481812). Algorithms developed to predict the effect of missense changes on protein structure and function output the following: SIFT: "Not Available"; PolyPhen-2: "Benign"; Align-GVGD: "Not Available". The valine amino acid residue is found in multiple mammalian species, which suggests that this missense change does not adversely affect protein function. In summary, the available evidence is currently insufficient to determine the role of this variant in disease. Therefore, it has been classified as a Variant of Uncertain Significance.

NM_001048174.2(MUTYH):c.1556C>T (p.Ala519Val)

Gene: MUTYH (mutY DNA glycosylase; minus strand). Cytogenetic location: 1p34.1.
Variant type: single nucleotide variant.
Coding change: c.1556C>T on transcript NM_001048174.2 (MANE Select); coding-DNA position 1556, C replaced by T.
Protein change: p.Ala519Val; replaces alanine 519 with valine.
Molecular consequence: missense variant. On other transcripts: non-coding transcript variant (2).
Genome position (GRCh38, 1-based): chr1:45,329,316, G>A on the plus strand (C>T on the coding strand, the complement: MUTYH is on the minus strand). VCF-style: chr1-45329316-G-A. GRCh37 (hg19) VCF-style: chr1-45794988-G-A.
Other names: c.1556C>T, p.Ala519Val (NM_001048171.2, NM_001048173.2, NM_001293195.2); c.1559C>T, p.Ala520Val (NM_001048172.2); c.1640C>T, p.Ala547Val (NM_001128425.2); c.1601C>T, p.Ala534Val (NM_001293190.2); c.1589C>T, p.Ala530Val (NM_001293191.2); c.1280C>T, p.Ala427Val (NM_001293192.2, NM_001293196.2); c.1211C>T, p.Ala404Val (NM_001350650.2, NM_001350651.2); c.1631C>T, p.Ala544Val (NM_012222.3); short protein forms A547V, A427V, A534V, A404V, A520V, A544V, A519V, A530V.
Identifiers: ClinVar variation 481812 (VCV000481812.10), dbSNP rs1553122784, ClinGen allele CA340131490.
Genomic context (GRCh38, chr1:45,329,316, plus strand): 5'-AGCACTTTACTAACAACAGGATTCTCAGGGAATGGGGGCTTTCAGAGGTGTCACTGGGCT[G>A]CACTGTTGAGGCTGTGTGCATCAGTGGAGATGTGAGACCGAAAGAAATTATCCAGGACTT-3'
Protein context (NP_001041639.1, residues 509-521): ISTDAHSLNS[Ala519Val]AQ